The following is an entry in ClinVar:

ClinVar aggregate classification (germline): Pathogenic (1 of 4 stars; one submission).

Conditions:
Inborn genetic diseases. Identifiers: MedGen C0950123, MeSH D030342.

Submission:

Ambry Genetics
Classification: Pathogenic for Inborn genetic diseases. Last evaluated: 2026-06-21. Review status: criteria provided, single submitter. Criteria: Ambry Variant Classification Scheme 2023. Collection method: clinical testing. Allele origin: germline.
Comment: The c.2458_2477del20 (p.T820Pfs*3) alteration, located in exon 3 (coding exon 3) of the PCDH19 gene, consists of a deletion of 20 nucleotides from position 2458 to 2477, causing a translational frameshift with a predicted alternate stop codon after 3 amino acids. This variant is expected to result in loss of function by premature protein truncation or nonsense-mediated mRNA decay. This variant was not reported in population-based cohorts in the Genome Aggregation Database (gnomAD). Based on the available evidence, this alteration is classified as pathogenic.

NM_001184880.2(PCDH19):c.2458_2477del (p.Thr820fs)

Genes: PCDH19 (protocadherin 19; minus strand), LOC125467768 (CDK7 strongly-dependent group 2 enhancer GRCh37_chrX:99657381-99658580; plus strand). Cytogenetic location: Xq22.1.
Variant type: Deletion.
Coding change: c.2458_2477del on transcript NM_001184880.2 (MANE Select); coding-DNA positions 2458 to 2477, 20 bases deleted (ACGCTGCCCCTGGGCTGCCG).
Protein change: p.Thr820fs; shifts the reading frame from threonine 820.
Molecular consequence: frameshift variant.
Genome position (GRCh38, 1-based): chrX:100,402,663-100,402,682, CGGCAGCCCAGGGGCAGCGT deleted on the plus strand (ACGCTGCCCCTGGGCTGCCG on the coding strand, the reverse complement: PCDH19 is on the minus strand); deleting any 20 consecutive bases within chrX:100,402,663-100,402,683 gives the same sequence; the c. name uses the placement nearest the transcript's 3' end. VCF-style (leftmost placement, unchanged base first): chrX-100402662-GCGGCAGCCCAGGGGCAGCGT-G. GRCh37 (hg19) VCF-style: chrX-99657660-GCGGCAGCCCAGGGGCAGCGT-G.
Other names: c.2317_2336del, p.Thr773fs (NM_001105243.2, NM_020766.3); short protein forms T773fs, T820fs.
Identifiers: ClinVar variation 5026331 (VCV005026331.1).